The following is an entry in ClinVar:

NM_006493.4(CLN5):c.642A>T (p.Val214=)

Gene: CLN5 (CLN5 lysosomal BMP synthase; plus strand). Cytogenetic location: 13q22.3.
Variant type: single nucleotide variant.
Coding change: c.642A>T on transcript NM_006493.4 (MANE Select); coding-DNA position 642, A replaced by T.
Protein change: p.Val214=; no amino-acid change (valine 214 retained).
Molecular consequence: synonymous variant. On other transcripts: 3 prime UTR variant (1).
Genome position (GRCh38, 1-based): chr13:77,000,534, A>T. VCF-style: chr13-77000534-A-T. GRCh37 (hg19) VCF-style: chr13-77574669-A-T.
Other names: c.789A>T (LRG_692t1); c.*91A>T (NM_001366624.2).
Identifiers: ClinVar variation 312428 (VCV000312428.28), dbSNP rs751496223, ClinGen allele CA7007238.

ClinVar aggregate classification (germline): Conflicting classifications of pathogenicity. Review status: criteria provided, conflicting classifications (1 of 4 stars). 9 submissions from 9 submitters: Uncertain significance (1); Benign (1); Likely benign (6). 1 of the submissions does not count toward it. Last evaluated 2026-07-01.

Conditions:
Inborn genetic diseases. Identifiers: MedGen C0950123, MeSH D030342.
Neuronal ceroid lipofuscinosis 5 (CLN5). Also called: CLN5-Related Neuronal Ceroid-Lipofuscinosis; CEROID LIPOFUSCINOSIS, NEURONAL, 5, VARIABLE AGE AT ONSET; Neuronal ceroid lipofuscinosis Finnish variant; NEURONAL CEROID LIPOFUSCINOSIS, LATE INFANTILE, FINNISH VARIANT. Identifiers: Orphanet 168491, Orphanet 228360, MedGen C1850442, MONDO:0009745, OMIM 256731.
Neuronal ceroid lipofuscinosis. Also called: Neuronal Ceroid Lipofuscinoses. Identifiers: Orphanet 216, Orphanet 79263, MedGen C0027877, MONDO:0016295. Disease mechanism: loss of function.

Allele frequency attached by ClinVar (database versions not stated): gnomAD exomes 0.00006 and 0.00012; ExAC 0.00007; gnomAD 0.00007; TOPMed 0.00011.
gnomAD v4.1: 183 of 1,614,028 alleles (0.011%); highest among the groups gnomAD compares: Non-Finnish European, 0.015%; no homozygotes.

Submissions (9):

CeGaT Center for Human Genetics Tuebingen
Classification: Likely benign. Last evaluated: 2026-07-01. Review status: criteria provided, single submitter. Criteria: CeGaT Center For Human Genetics Tuebingen Variant Classification Criteria Version 2. Collection method: clinical testing. Allele origin: germline. Affected: yes. Observed: 1 variant allele.
Comment: CLN5: BP4, BP7

Labcorp Genetics (formerly Invitae), Labcorp
Classification: Likely benign for Neuronal ceroid lipofuscinosis. Last evaluated: 2026-01-06. Review status: criteria provided, single submitter. Criteria: Invitae Variant Classification Sherloc (09022015). Collection method: clinical testing. Allele origin: germline.

Blueprint Genetics
Classification: Likely benign. Last evaluated: 2024-10-15. Review status: criteria provided, single submitter. Criteria: ACMG Guidelines, 2015. Collection method: clinical testing. Allele origin: germline.

ARUP Laboratories, Molecular Genetics and Genomics, ARUP Laboratories
Classification: Likely benign for Neuronal ceroid lipofuscinosis 5. Last evaluated: 2023-10-17. Review status: criteria provided, single submitter. Criteria: ARUP Molecular Germline Variant Investigation Process 2024. Collection method: clinical testing. Allele origin: germline.

Genome-Nilou Lab
Classification: Likely benign for Neuronal ceroid lipofuscinosis 5. Last evaluated: 2021-08-10. Review status: criteria provided, single submitter. Criteria: ACMG Guidelines, 2015. Collection method: clinical testing. Allele origin: germline. Affected: no.

Ambry Genetics
Classification: Likely benign for Inborn genetic diseases. Last evaluated: 2018-06-23. Review status: criteria provided, single submitter. Criteria: Ambry Variant Classification Scheme 2023. Collection method: clinical testing. Allele origin: germline.

Illumina Laboratory Services, Illumina
Classification: Uncertain significance for Neuronal ceroid lipofuscinosis 5. Last evaluated: 2018-01-13. Review status: criteria provided, single submitter. Criteria: ICSL Variant Classification Criteria 13 December 2019. Collection method: clinical testing. Allele origin: germline.

GeneDx
Classification: Benign. Last evaluated: 2015-06-30. Review status: criteria provided, single submitter. Criteria: GeneDx Variant Classification (06012015). Collection method: clinical testing. Allele origin: germline. Affected: yes.
Comment: This variant is considered likely benign or benign based on one or more of the following criteria: it is a conservative change, it occurs at a poorly conserved position in the protein, it is predicted to be benign by multiple in silico algorithms, and/or has population frequency not consistent with disease.

Natera, Inc.
Classification: Likely benign for Neuronal ceroid lipofuscinosis. Last evaluated: 2020-09-18. Review status: no assertion criteria provided. Collection method: clinical testing. Allele origin: germline. Not counted in ClinVar's aggregate classification.